The following is an entry in ClinVar:

ClinVar aggregate classification (germline): Likely benign. Review status: criteria provided, multiple submitters, no conflicts (2 of 4 stars). 3 submissions from 3 submitters: Likely benign (2). 1 of the submissions does not count toward it. Last evaluated 2019-12-31.

Conditions:
DMBT1-related disorder. Also called: DMBT1-related condition.

Allele frequency attached by ClinVar (database versions not stated): gnomAD exomes 0.00072 and 0.00135; ExAC 0.00239; 1000 Genomes Project 30x 0.00312; gnomAD 0.00369 and 0.00380; TOPMed 0.00420; ESP Exome Variant Server 0.00429; 1000 Genomes Project 0.00639.
gnomAD v4.1: 1,662 of 1,613,292 alleles (0.1%); highest among the groups gnomAD compares: African/African-American, 1.2%; 9 homozygotes.

Submissions (3):

Labcorp Genetics (formerly Invitae), Labcorp
Classification: Likely benign. Last evaluated: 2019-12-31. Review status: criteria provided, single submitter. Criteria: Invitae Variant Classification Sherloc (09022015). Collection method: clinical testing. Allele origin: germline.

Breakthrough Genomics
Classification: Likely benign. Review status: criteria provided, single submitter. Criteria: ACMG Guidelines, 2015. Collection method: not provided. Allele origin: germline. Inheritance: Unknown mechanism. Affected: yes.

PreventionGenetics, part of Exact Sciences
Classification: Benign for DMBT1-related condition. Last evaluated: 2019-04-01. Review status: no assertion criteria provided. Collection method: clinical testing. Allele origin: germline. Not counted in ClinVar's aggregate classification.
Comment: This variant is classified as benign based on ACMG/AMP sequence variant interpretation guidelines (Richards et al. 2015 PMID: 25741868, with internal and published modifications).

NM_001377530.1(DMBT1):c.2922A>G (p.Thr974=)

Gene: DMBT1 (deleted in malignant brain tumors 1; plus strand). Cytogenetic location: 10q26.13.
Variant type: single nucleotide variant.
Coding change: c.2922A>G on transcript NM_001377530.1 (MANE Select); coding-DNA position 2922, A replaced by G.
Protein change: p.Thr974=; no amino-acid change (threonine 974 retained).
Molecular consequence: synonymous variant.
Genome position (GRCh38, 1-based): chr10:122,597,978, A>G. VCF-style: chr10-122597978-A-G. GRCh37 (hg19) VCF-style: chr10-124357494-A-G.
Other names: c.2922A>G, p.Thr974= (NM_001320644.2, NM_007329.3); c.1425A>G, p.Thr475= (NM_004406.3); c.2892A>G, p.Thr964= (NM_017579.3).
Identifiers: ClinVar variation 730866 (VCV000730866.7), dbSNP rs3980980, ClinGen allele CA5727293.